The following is an entry in ClinVar:

ClinVar aggregate classification (germline): Uncertain significance. Review status: criteria provided, multiple submitters, no conflicts (2 of 4 stars). 2 submissions from 2 submitters: Uncertain significance (2). Last evaluated 2025-11-08.

Conditions:
Inborn genetic diseases. Identifiers: MedGen C0950123, MeSH D030342.

gnomAD v4.1: 19 of 1,468,736 alleles (0.0013%); highest among the groups gnomAD compares: Non-Finnish European, 0.0015%; no homozygotes.

Submissions (2):

Ambry Genetics
Classification: Uncertain significance for Inborn genetic diseases. Last evaluated: 2025-11-08. Review status: criteria provided, single submitter. Criteria: Ambry Variant Classification Scheme 2023. Collection method: clinical testing. Allele origin: germline.

Labcorp Genetics (formerly Invitae), Labcorp
Classification: Uncertain significance. Last evaluated: 2024-12-27. Review status: criteria provided, single submitter. Criteria: Invitae Variant Classification Sherloc (09022015). Collection method: clinical testing. Allele origin: germline.
Comment: This sequence change replaces valine, which is neutral and non-polar, with leucine, which is neutral and non-polar, at codon 60 of the SPEG protein (p.Val60Leu). This variant is not present in population databases (gnomAD no frequency). This variant has not been reported in the literature in individuals affected with SPEG-related conditions. ClinVar contains an entry for this variant (Variation ID: 1377712). An algorithm developed to predict the effect of missense changes on protein structure and function outputs the following: PolyPhen-2: "Benign". The leucine amino acid residue is found in multiple mammalian species, which suggests that this missense change does not adversely affect protein function. In summary, the available evidence is currently insufficient to determine the role of this variant in disease. Therefore, it has been classified as a Variant of Uncertain Significance.

NM_005876.5(SPEG):c.178G>T (p.Val60Leu)

Gene: SPEG (striated muscle enriched protein kinase; plus strand). Cytogenetic location: 2q35.
Variant type: single nucleotide variant.
Coding change: c.178G>T on transcript NM_005876.5 (MANE Select); coding-DNA position 178, G replaced by T.
Protein change: p.Val60Leu; replaces valine 60 with leucine.
Molecular consequence: missense variant.
Genome position (GRCh38, 1-based): chr2:219,435,155, G>T. VCF-style: chr2-219435155-G-T. GRCh37 (hg19) VCF-style: chr2-220299877-G-T.
Other names: c.178G>T (NM_005876.4); short protein forms V60L.
Identifiers: ClinVar variation 1377712 (VCV001377712.8), dbSNP rs561515444, ClinGen allele CA65993433.
Genomic context (GRCh38, chr2:219,435,155, plus strand): 5'-GCCGGGGCGCCAGTCTTCCTGCGGCCCCTGAAGAACGCGGCGGTGTGCGCGGGCAGCGAC[G>T]TGCGGCTGCGGGTGGTGGTGAGCGGGACGCCCCAGCCCAGCCTCCGCTGGTTCCGGGATG-3'
Protein context (NP_005867.3, residues 50-70): KNAAVCAGSD[Val60Leu]RLRVVVSGTP